The following is an entry in ClinVar:

NM_001368882.1(COL13A1):c.576+5G>A

Gene: COL13A1 (collagen type XIII alpha 1 chain; plus strand). Cytogenetic location: 10q22.1.
Variant type: single nucleotide variant.
Coding change: c.576+5G>A on transcript NM_001368882.1 (MANE Select); 5 bases into the intron after coding-DNA position 576, G replaced by A.
Molecular consequence: intron variant.
Genome position (GRCh38, 1-based): chr10:69,888,335, G>A. VCF-style: chr10-69888335-G-A. GRCh37 (hg19) VCF-style: chr10-71648091-G-A.
Other names: c.576+5G>A (NM_001320951.2, NM_001368884.1); c.549+5G>A (NM_001130103.2, NM_080801.4, NM_080802.4 and 1 more transcripts); c.-25+5G>A (NM_001368886.1); c.540+5G>A (NM_001368883.1, NM_001368885.1); c.462+5G>A (NM_080805.4, NM_001368897.1); c.486+5G>A (NM_001368895.1); c.435+5G>A (NM_001368898.1, NM_080798.4, NM_001368896.1).
Identifiers: ClinVar variation 977151 (VCV000977151.1), dbSNP rs2060807560, ClinGen allele CA916079831.

ClinVar aggregate classification (germline): Uncertain significance (1 of 4 stars; one submission).

Conditions:
Congenital myasthenic syndrome 19. Identifiers: Orphanet 590, MedGen C4225235, MONDO:0014745, OMIM 616720.

Submission:

Broad Center for Mendelian Genomics, Broad Institute of MIT and Harvard
Classification: Uncertain significance for Congenital myasthenic syndrome 19. Last evaluated: 2020-05-29. Review status: criteria provided, single submitter. Criteria: ACMG Guidelines, 2015. Collection method: research. Allele origin: germline. Inheritance: Autosomal recessive inheritance.
Comment: The homozygous c.549+5G>A variant in COL13A was identified by our study in 2 siblings with congenital myasthenic syndrome (PMID: 31081514). This variant was absent from large population studies. Computational prediction tools, including splice predictors, and conservation analyses suggest that this variant may not impact the protein, though this information is not predictive enough to rule out pathogenicity. In summary, the clinical significance of the c.549+5G>A variant is uncertain. ACMG/AMP Criteria applied: PM2, PM3_supporting, BP4 (Richards 2015).

Literature cited by the submitters: PubMed 31081514.